The following is an entry in ClinVar:

ClinVar aggregate classification (germline): Uncertain significance (1 of 4 stars; one submission).

Conditions:
Alstrom syndrome (ALMS). Identifiers: Orphanet 64, MedGen C0268425, MONDO:0008763, OMIM 203800.

Submission:

Labcorp Genetics (formerly Invitae), Labcorp
Classification: Uncertain significance for Alstrom syndrome. Last evaluated: 2022-07-06. Review status: criteria provided, single submitter. Criteria: Invitae Variant Classification Sherloc (09022015). Collection method: clinical testing. Allele origin: germline.
Comment: This sequence change replaces lysine, which is basic and polar, with threonine, which is neutral and polar, at codon 1830 of the ALMS1 protein (p.Lys1830Thr). This variant is not present in population databases (gnomAD no frequency). This variant has not been reported in the literature in individuals affected with ALMS1-related conditions. Experimental studies and prediction algorithms are not available or were not evaluated, and the functional significance of this variant is currently unknown. In summary, the available evidence is currently insufficient to determine the role of this variant in disease. Therefore, it has been classified as a Variant of Uncertain Significance.

NM_001378454.1(ALMS1):c.5486A>C (p.Lys1829Thr)

Gene: ALMS1 (ALMS1 centrosome and basal body associated protein; plus strand). Cytogenetic location: 2p13.1.
Variant type: single nucleotide variant.
Coding change: c.5486A>C on transcript NM_001378454.1 (MANE Select); coding-DNA position 5486, A replaced by C.
Protein change: p.Lys1829Thr; replaces lysine 1829 with threonine.
Molecular consequence: missense variant.
Genome position (GRCh38, 1-based): chr2:73,452,013, A>C. VCF-style: chr2-73452013-A-C. GRCh37 (hg19) VCF-style: chr2-73679140-A-C.
Other names: c.5489A>C, p.Lys1830Thr (NM_015120.4); short protein forms K1830T, K1829T.
Identifiers: ClinVar variation 2014598 (VCV002014598.4), dbSNP rs2466105441, ClinGen allele CA347282275.